The following is an entry in ClinVar:

NM_001195263.2(PDZD7):c.340A>G (p.Ser114Gly)

Gene: PDZD7 (PDZ domain containing 7; minus strand). Cytogenetic location: 10q24.31.
Variant type: single nucleotide variant.
Coding change: c.340A>G on transcript NM_001195263.2 (MANE Select); coding-DNA position 340, A replaced by G.
Protein change: p.Ser114Gly; replaces serine 114 with glycine.
Molecular consequence: missense variant.
Genome position (GRCh38, 1-based): chr10:101,023,955, T>C on the plus strand (A>G on the coding strand, the complement: PDZD7 is on the minus strand). VCF-style: chr10-101023955-T-C. GRCh37 (hg19) VCF-style: chr10-102783712-T-C.
Other names: c.340A>G, p.Ser114Gly (NM_001351044.2, NM_001437429.1, NM_024895.5); short protein forms S114G.
Identifiers: ClinVar variation 5036939 (VCV005036939.1).

ClinVar aggregate classification (germline): Uncertain significance (1 of 4 stars; one submission).

Submission:

GeneDx
Classification: Uncertain significance. Last evaluated: 2026-04-13. Review status: criteria provided, single submitter. Criteria: GeneDx Variant Classification Process June 2021. Collection method: clinical testing. Allele origin: germline.
Comment: Not observed at significant frequency in large population cohorts (gnomAD); In silico analysis supports that this missense variant has a deleterious effect on protein structure/function; Has not been previously published as pathogenic or benign to our knowledge